The following is an entry in ClinVar:

NM_024408.4(NOTCH2):c.6787C>T (p.Gln2263Ter)

Gene: NOTCH2 (notch receptor 2; minus strand). Cytogenetic location: 1p12.
Variant type: single nucleotide variant.
Coding change: c.6787C>T on transcript NM_024408.4 (MANE Select); coding-DNA position 6787, C replaced by T.
Protein change: p.Gln2263Ter; replaces glutamine 2263 with a stop codon.
Molecular consequence: nonsense.
Genome position (GRCh38, 1-based): chr1:119,915,935, G>A on the plus strand (C>T on the coding strand, the complement: NOTCH2 is on the minus strand). VCF-style: chr1-119915935-G-A. GRCh37 (hg19) VCF-style: chr1-120458558-G-A.
Other names: short protein forms Q2263*.
Identifiers: ClinVar variation 280705 (VCV000280705.7), dbSNP rs886041862, ClinGen allele CA10602736.

ClinVar aggregate classification (germline): Pathogenic. Review status: criteria provided, multiple submitters, no conflicts (2 of 4 stars). 3 submissions from 3 submitters: Pathogenic (3). Last evaluated 2023-08-08.

Conditions:
NOTCH2-related disorder. Also called: NOTCH2-related condition.
Hajdu-Cheney syndrome (HJCYS). Also called: Acroosteolysis dominant type; SERPENTINE FIBULA-POLYCYSTIC KIDNEY SYNDROME; ACROOSTEOLYSIS WITH OSTEOPOROSIS AND CHANGES IN SKULL AND MANDIBLE. Identifiers: Orphanet 955, MedGen C0917715, MONDO:0007057, OMIM 102500.

Submissions (3):

Labcorp Genetics (formerly Invitae), Labcorp
Classification: Pathogenic for Hajdu-Cheney syndrome. Last evaluated: 2023-08-08. Review status: criteria provided, single submitter. Criteria: Invitae Variant Classification Sherloc (09022015). Collection method: clinical testing. Allele origin: germline.
Comment: This sequence change creates a premature translational stop signal (p.Gln2263*) in the NOTCH2 gene. While this is not anticipated to result in nonsense mediated decay, it is expected to disrupt the last 209 amino acid(s) of the NOTCH2 protein. This protein change is located in a region of the NOTCH2 protein where a significant number of previously reported NOTCH2 nonsense and frameshift mutations are found (PMID: 21378985, 23389697, 26627824). For these reasons, this variant has been classified as Pathogenic. ClinVar contains an entry for this variant (Variation ID: 280705). This premature translational stop signal has been observed in individual(s) with Hajdu-Cheney syndrome (PMID: 28938420, 29566451). In at least one individual the variant was observed to be de novo. This variant is not present in population databases (gnomAD no frequency).

Blueprint Genetics
Classification: Pathogenic for NOTCH2-related disorders. Last evaluated: 2019-11-26. Review status: criteria provided, single submitter. Criteria: ACMG Guidelines, 2015. Collection method: clinical testing. Allele origin: germline. Affected: yes. Observed: 1 variant allele.

GeneDx
Classification: Pathogenic. Last evaluated: 2016-07-14. Review status: criteria provided, single submitter. Criteria: GeneDx Variant Classification (06012015). Collection method: clinical testing. Allele origin: germline. Affected: yes.
Comment: The Q2263X pathogenic variant in the NOTCH2 gene has not been reported previously as a pathogenic variant nor as a benign variant, to our knowledge. This variant is predicted to cause loss of normal protein function through protein truncation, as the last 209 amino acids of the protein are lost. The Q2263X variant was not observed in approximately 6500 individuals of European and African American ancestry in the NHLBI Exome Sequencing Project, indicating it is not a common benign variant in these populations. Several pathogenic protein truncating variants downstream of this variant have been reported in the Human Gene Mutation Database in association with NOTCH2-related disorders (Stenson et al., 2014), supporting the pathogenicity of more upstream truncating variants. We interpret Q2263X as a pathogenic variant.

Literature cited by the submitters: PubMed 21378985 (cited by Labcorp Genetics (formerly Invitae), Labcorp); PubMed 23389697 (cited by Labcorp Genetics (formerly Invitae), Labcorp); PubMed 26627824 (cited by Labcorp Genetics (formerly Invitae), Labcorp); PubMed 28938420 (cited by Labcorp Genetics (formerly Invitae), Labcorp); PubMed 29566451 (cited by Labcorp Genetics (formerly Invitae), Labcorp).